The following is an entry in ClinVar:

NM_004369.4(COL6A3):c.3191G>A (p.Arg1064Gln)

Gene: COL6A3 (collagen type VI alpha 3 chain; minus strand). Cytogenetic location: 2q37.3.
Variant type: single nucleotide variant.
Coding change: c.3191G>A on transcript NM_004369.4 (MANE Select); coding-DNA position 3191, G replaced by A.
Protein change: p.Arg1064Gln; replaces arginine 1064 with glutamine.
Molecular consequence: missense variant.
Genome position (GRCh38, 1-based): chr2:237,374,900, C>T on the plus strand (G>A on the coding strand, the complement: COL6A3 is on the minus strand). VCF-style: chr2-237374900-C-T. GRCh37 (hg19) VCF-style: chr2-238283543-C-T.
Other names: p.R1064Q:CGG>CAG; c.1970G>A, p.Arg657Gln (NM_057164.5); c.2573G>A, p.Arg858Gln (NM_057165.5, NM_057167.4); c.1370G>A, p.Arg457Gln (NM_057166.5); short protein forms R858Q, R657Q, R457Q.
Identifiers: ClinVar variation 94922 (VCV000094922.33), dbSNP rs112638391, ClinGen allele CA207452.

ClinVar aggregate classification (germline): Benign/Likely benign. Review status: criteria provided, multiple submitters, no conflicts (2 of 4 stars). 10 submissions from 10 submitters: Benign (7); Likely benign (3). Last evaluated 2026-09-01.

Conditions:
COL6A3-related disorder. Also called: COL6A3-related condition; COL6A3-related disorders.
Ullrich congenital muscular dystrophy 1A. Also called: Intermediate COL6-RD; Ullrich congenital muscular dystrophy 1. Identifiers: Orphanet 75840, MedGen C0410179, MONDO:0009681, OMIM 254090.
Collagen 6-related myopathy. Identifiers: MedGen CN117976, MONDO:0100225.
Bethlem myopathy 1A. Also called: MYOPATHY, BENIGN CONGENITAL, WITH CONTRACTURES; Bethlem myopathy 1; Bethlem Muscular Dystrophy. Identifiers: Orphanet 610, MedGen CN029274, MONDO:0024530, OMIM 158810.

Allele frequency attached by ClinVar (database versions not stated): ESP Exome Variant Server 0.00031; gnomAD exomes 0.00297 and 0.00074; TOPMed 0.00391; ExAC 0.00192; gnomAD 0.00306 and 0.00315; 1000 Genomes Project 30x 0.00547; 1000 Genomes Project 0.00479.
gnomAD v4.1: 1,557 of 1,613,888 alleles (0.096%); highest among the groups gnomAD compares: Admixed American, 2.3%; 27 homozygotes.

Submissions (10):

CeGaT Center for Human Genetics Tuebingen
Classification: Benign. Last evaluated: 2026-09-01. Review status: criteria provided, single submitter. Criteria: CeGaT Center For Human Genetics Tuebingen Variant Classification Criteria Version 2. Collection method: clinical testing. Allele origin: germline. Affected: yes. Observed: 9 variant alleles.
Comment: COL6A3: BP4, BS1, BS2

PreventionGenetics, part of Exact Sciences
Classification: Benign for COL6A3-related condition. Last evaluated: 2026-04-07. Review status: criteria provided, single submitter. Criteria: ACMG Guidelines, 2015. Collection method: clinical testing. Allele origin: germline.
Comment: This variant is classified as benign based on ACMG/AMP sequence variant interpretation guidelines (Richards et al. 2015 PMID: 25741868, with internal and published modifications).

Labcorp Genetics (formerly Invitae), Labcorp
Classification: Benign for Bethlem myopathy 1A. Last evaluated: 2026-02-02. Review status: criteria provided, single submitter. Criteria: Invitae Variant Classification Sherloc (09022015). Collection method: clinical testing. Allele origin: germline.

Mayo Clinic Laboratories, Mayo Clinic
Classification: Benign. Last evaluated: 2022-12-20. Review status: criteria provided, single submitter. Criteria: ACMG Guidelines, 2015. Collection method: clinical testing. Allele origin: germline. Observed: 3 variant alleles.

GeneDx
Classification: Benign. Last evaluated: 2017-12-27. Review status: criteria provided, single submitter. Criteria: GeneDx Variant Classification (06012015). Collection method: clinical testing. Allele origin: germline. Affected: yes.
Comment: This variant is considered likely benign or benign based on one or more of the following criteria: it is a conservative change, it occurs at a poorly conserved position in the protein, it is predicted to be benign by multiple in silico algorithms, and/or has population frequency not consistent with disease.

Illumina Laboratory Services, Illumina
Classification: Likely benign for Collagen VI-related myopathy. Last evaluated: 2017-04-28. Review status: criteria provided, single submitter. Criteria: ICSL Variant Classification Criteria 13 December 2019. Collection method: clinical testing. Allele origin: germline.
Comment: This variant was observed as part of a predisposition screen in an ostensibly healthy population. A literature search was performed for the gene, cDNA change, and amino acid change (where applicable). Publications were found based on this search. The evidence from the literature, in combination with allele frequency data from public databases where available, was sufficient to determine this variant is unlikely to cause disease. Therefore, this variant is classified as likely benign.

Genetic Services Laboratory, University of Chicago
Classification: Benign. Last evaluated: 2016-08-02. Review status: criteria provided, single submitter. Criteria: ACMG Guidelines, 2015. Collection method: clinical testing. Allele origin: germline. Affected: no.

Eurofins Ntd Llc (ga)
Classification: Benign. Last evaluated: 2015-09-03. Review status: criteria provided, single submitter. Criteria: EGL Classification Definitions 2015. Collection method: clinical testing. Allele origin: germline. Observed: 7 variant alleles, 7 heterozygotes.

Breakthrough Genomics
Classification: Likely benign. Review status: criteria provided, single submitter. Criteria: ACMG Guidelines, 2015. Collection method: not provided. Allele origin: germline. Inheritance: Autosomal recessive inheritance. Affected: yes.

Broad Center for Mendelian Genomics, Broad Institute of MIT and Harvard
Classification: Likely benign for Ullrich congenital muscular dystrophy 1A. Review status: criteria provided, single submitter. Criteria: ACMG Guidelines, 2015. Collection method: research. Allele origin: germline. Inheritance: Autosomal dominant inheritance. Affected: yes.
Comment: The heterozygous p.Arg1064Gln variant in COL6A3 has been identified in an individual with Ullrich congenital muscular dystrophy (PMID: 15689448), and has been identified in >1% of Latino chromosomes by ExAC. This variant has also been identified in an individual with a different phenotype (trisomy 21 and atrioventricular septal defect), suggesting that this variant does not cause Ullrich congenital muscular dystrophy (PMID: 23040494). In summary, although additional studies are required to fully establish its clinical significance, this variant meets criteria to be classified as likely benign for Ullrich congenital muscular dystrophy.

Literature cited by the submitters: PubMed 23040494 (cited by Illumina Laboratory Services, Illumina and Broad Center for Mendelian Genomics, Broad Institute of MIT and Harvard); PubMed 15689448 (cited by Illumina Laboratory Services, Illumina and Broad Center for Mendelian Genomics, Broad Institute of MIT and Harvard).